The following is an entry in ClinVar:

ClinVar aggregate classification (germline): Uncertain significance. Review status: criteria provided, multiple submitters, no conflicts (2 of 4 stars). 2 submissions from 2 submitters: Uncertain significance (2). Last evaluated 2024-12-16.

Conditions:
SIM1-related disorder. Also called: SIM1-related disorders; SIM1-related condition.

gnomAD v4.1: 1 of 1,614,108 alleles (0.000062%); no homozygotes.

Submissions (2):

PreventionGenetics, part of Exact Sciences
Classification: Uncertain significance for SIM1-related condition. Last evaluated: 2024-12-16. Review status: criteria provided, single submitter. Criteria: ACMG Guidelines, 2015. Collection method: clinical testing. Allele origin: germline.
Comment: The SIM1 c.1391C>G variant is predicted to result in the amino acid substitution p.Thr464Ser. To our knowledge, this variant has not been reported in the literature or in a large population database (gnomAD), indicating this variant is rare. At this time, the clinical significance of this variant is uncertain due to the absence of conclusive functional and genetic evidence.

GeneDx
Classification: Uncertain significance. Last evaluated: 2024-05-29. Review status: criteria provided, single submitter. Criteria: GeneDx Variant Classification Process June 2021. Collection method: clinical testing. Allele origin: germline. Affected: yes.
Comment: Not observed at significant frequency in large population cohorts (gnomAD); In silico analysis indicates that this missense variant does not alter protein structure/function; Has not been previously published as pathogenic or benign to our knowledge

NM_005068.3(SIM1):c.1391C>G (p.Thr464Ser)

Genes: SIM1 (SIM bHLH transcription factor 1; minus strand), SIM1-AS1 (SIM1 antisense RNA 1; plus strand). Cytogenetic location: 6q16.3.
Variant type: single nucleotide variant.
Coding change: c.1391C>G on transcript NM_005068.3 (MANE Select); coding-DNA position 1391, C replaced by G.
Protein change: p.Thr464Ser; replaces threonine 464 with serine.
Molecular consequence: missense variant. On other transcripts: non-coding transcript variant (1).
Genome position (GRCh38, 1-based): chr6:100,393,666, G>C on the plus strand (C>G on the coding strand, the complement: SIM1 is on the minus strand). VCF-style: chr6-100393666-G-C. GRCh37 (hg19) VCF-style: chr6-100841542-G-C.
Other names: c.1391C>G, p.Thr464Ser (NM_001374769.1); short protein forms T464S.
Identifiers: ClinVar variation 3383463 (VCV003383463.2).